The following is an entry in ClinVar:

NM_001184880.2(PCDH19):c.280C>G (p.Arg94Gly)

Gene: PCDH19 (protocadherin 19; minus strand). Cytogenetic location: Xq22.1.
Variant type: single nucleotide variant.
Coding change: c.280C>G on transcript NM_001184880.2 (MANE Select); coding-DNA position 280, C replaced by G.
Protein change: p.Arg94Gly; replaces arginine 94 with glycine.
Molecular consequence: missense variant.
Genome position (GRCh38, 1-based): chrX:100,408,318, G>C on the plus strand (C>G on the coding strand, the complement: PCDH19 is on the minus strand). VCF-style: chrX-100408318-G-C. GRCh37 (hg19) VCF-style: chrX-99663316-G-C.
Other names: c.280C>G, p.Arg94Gly (NM_001105243.2, NM_020766.3); short protein forms R94G.
Identifiers: ClinVar variation 4075563 (VCV004075563.1).

ClinVar aggregate classification (germline): Uncertain significance (1 of 4 stars; one submission).

Submission:

GeneDx
Classification: Uncertain significance. Last evaluated: 2025-02-11. Review status: criteria provided, single submitter. Criteria: GeneDx Variant Classification Process June 2021. Collection method: clinical testing. Allele origin: germline. Affected: yes.
Comment: Not observed at significant frequency in large population cohorts (gnomAD); In silico analysis indicates that this missense variant does not alter protein structure/function; Has not been previously published as pathogenic or benign to our knowledge